The following is an entry in ClinVar:

NM_000478.6(ALPL):c.1537del (p.Leu513fs)

Gene: ALPL (alkaline phosphatase, biomineralization associated; plus strand). Cytogenetic location: 1p36.12.
Variant type: Deletion.
Coding change: c.1537del on transcript NM_000478.6 (MANE Select); coding-DNA position 1537, one base deleted (C; older notation c.1537delC).
Protein change: p.Leu513fs; shifts the reading frame from leucine 513.
Molecular consequence: frameshift variant.
Genome position (GRCh38, 1-based): chr1:21,577,610, C deleted. VCF-style (leftmost placement, unchanged base first): chr1-21577609-GC-G. GRCh37 (hg19) VCF-style: chr1-21904102-GC-G.
Other names: c.1372del, p.Leu458fs (NM_001127501.4); c.1306del, p.Leu436fs (NM_001177520.3); c.1537del, p.Leu513fs (NM_001369803.2, NM_001369804.2, NM_001369805.2); short protein forms L436fs, L458fs, L513fs.
Identifiers: ClinVar variation 4818418 (VCV004818418.1).

ClinVar aggregate classification (germline): Likely pathogenic (1 of 4 stars; one submission).

Conditions:
Hypophosphatasia. Also called: Phosphoethanol-aminuria. Identifiers: Orphanet 436, MedGen C0020630, MeSH D007014, MONDO:0018570.

Submission:

Natera, Inc.
Classification: Likely pathogenic for Hypophosphatasia. Last evaluated: 2024-03-01. Review status: criteria provided, single submitter. Criteria: Natera Variant Classification Schema (03/2026). Collection method: clinical testing. Allele origin: germline.
Comment: The c.1537delC variant in ALPL is a frameshift variant predicted to shift the reading frame beginning at codon 513 and leads to a stop codon 8 codons downstream. This variant is expected to result in nonsense mediated decay, truncation, or a dysfunctional protein product. This variant is rare in the general population with a frequency below the threshold expected for the associated phenotype(s). Given the available evidence, this variant is classified as Likely Pathogenic.